The following is an entry in ClinVar:

NM_145207.3(AFG2A):c.484G>A (p.Gly162Ser)

Gene: AFG2A (AFG2 AAA ATPase homolog A; plus strand). Cytogenetic location: 4q28.1.
Variant type: single nucleotide variant.
Coding change: c.484G>A on transcript NM_145207.3 (MANE Select); coding-DNA position 484, G replaced by A.
Protein change: p.Gly162Ser; replaces glycine 162 with serine.
Molecular consequence: missense variant.
Genome position (GRCh38, 1-based): chr4:122,933,476, G>A. VCF-style: chr4-122933476-G-A. GRCh37 (hg19) VCF-style: chr4-123854631-G-A.
Other names: c.481G>A, p.Gly161Ser (NM_001317799.2, NM_001345856.2); short protein forms G162S, G161S.
Identifiers: ClinVar variation 1036818 (VCV001036818.2), dbSNP rs369894784, ClinGen allele CA3070238.

ClinVar aggregate classification (germline): Uncertain significance (1 of 4 stars; one submission).

Conditions:
Microcephaly-intellectual disability-sensorineural hearing loss-epilepsy-abnormal muscle tone syndrome (NEDHSB). Also called: NEURODEVELOPMENTAL DISORDER WITH HEARING LOSS, SEIZURES, AND BRAIN ABNORMALITIES. Identifiers: Orphanet 457351, MedGen C4225276, MONDO:0014698, OMIM 616577.

Allele frequency attached by ClinVar (database versions not stated): ESP Exome Variant Server 0.00008.
gnomAD v4.1: 7 of 1,611,956 alleles (0.00043%); highest among the groups gnomAD compares: South Asian, 0.0011%; no homozygotes.

Submission:

Labcorp Genetics (formerly Invitae), Labcorp
Classification: Uncertain significance for Microcephaly-intellectual disability-sensorineural hearing loss-epilepsy-abnormal muscle tone syndrome. Last evaluated: 2022-08-09. Review status: criteria provided, single submitter. Criteria: Invitae Variant Classification Sherloc (09022015). Collection method: clinical testing. Allele origin: germline.
Comment: This sequence change replaces glycine, which is neutral and non-polar, with serine, which is neutral and polar, at codon 162 of the SPATA5 protein (p.Gly162Ser). This variant is present in population databases (rs369894784, gnomAD 0.01%). This variant has not been reported in the literature in individuals affected with SPATA5-related conditions. ClinVar contains an entry for this variant (Variation ID: 1036818). Advanced modeling of protein sequence and biophysical properties (such as structural, functional, and spatial information, amino acid conservation, physicochemical variation, residue mobility, and thermodynamic stability) performed at Invitae indicates that this missense variant is not expected to disrupt SPATA5 protein function. In summary, the available evidence is currently insufficient to determine the role of this variant in disease. Therefore, it has been classified as a Variant of Uncertain Significance.